The following is an entry in ClinVar:

ClinVar aggregate classification (germline): Uncertain significance (1 of 4 stars; one submission).

Allele frequency attached by ClinVar (database versions not stated): gnomAD exomes below 0.00001; TOPMed below 0.00001; gnomAD 0.00001.
gnomAD v4.1: 7 of 1,607,856 alleles (0.00044%); highest among the groups gnomAD compares: South Asian, 0.0011%; no homozygotes.

Submission:

Labcorp Genetics (formerly Invitae), Labcorp
Classification: Uncertain significance. Last evaluated: 2023-12-11. Review status: criteria provided, single submitter. Criteria: Invitae Variant Classification Sherloc (09022015). Collection method: clinical testing. Allele origin: germline.
Comment: This sequence change replaces tyrosine, which is neutral and polar, with histidine, which is basic and polar, at codon 291 of the ABHD12 protein (p.Tyr291His). This variant is not present in population databases (gnomAD no frequency). This variant has not been reported in the literature in individuals affected with ABHD12-related conditions. ClinVar contains an entry for this variant (Variation ID: 1039701). Advanced modeling of protein sequence and biophysical properties (such as structural, functional, and spatial information, amino acid conservation, physicochemical variation, residue mobility, and thermodynamic stability) performed at Invitae indicates that this missense variant is not expected to disrupt ABHD12 protein function with a negative predictive value of 80%. In summary, the available evidence is currently insufficient to determine the role of this variant in disease. Therefore, it has been classified as a Variant of Uncertain Significance.

NM_001042472.3(ABHD12):c.871T>C (p.Tyr291His)

Gene: ABHD12 (abhydrolase domain containing 12, lysophospholipase; minus strand). Cytogenetic location: 20p11.21.
Variant type: single nucleotide variant.
Coding change: c.871T>C on transcript NM_001042472.3 (MANE Select); coding-DNA position 871, T replaced by C.
Protein change: p.Tyr291His; replaces tyrosine 291 with histidine.
Molecular consequence: missense variant.
Genome position (GRCh38, 1-based): chr20:25,306,912, A>G on the plus strand (T>C on the coding strand, the complement: ABHD12 is on the minus strand). VCF-style: chr20-25306912-A-G. GRCh37 (hg19) VCF-style: chr20-25287548-A-G.
Other names: c.871T>C, p.Tyr291His (NM_015600.5); short protein forms Y291H.
Identifiers: ClinVar variation 1039701 (VCV001039701.8), dbSNP rs2088753872, ClinGen allele CA408455775.